The following is an entry in ClinVar:

NM_003888.4(ALDH1A2):c.1254C>A (p.Ile418=)

Gene: ALDH1A2 (aldehyde dehydrogenase 1 family member A2; minus strand). Cytogenetic location: 15q21.3.
Variant type: single nucleotide variant.
Coding change: c.1254C>A on transcript NM_003888.4 (MANE Select); coding-DNA position 1254, C replaced by A.
Protein change: p.Ile418=; no amino-acid change (isoleucine 418 retained).
Molecular consequence: synonymous variant.
Genome position (GRCh38, 1-based): chr15:57,961,292, G>T on the plus strand (C>A on the coding strand, the complement: ALDH1A2 is on the minus strand). VCF-style: chr15-57961292-G-T. GRCh37 (hg19) VCF-style: chr15-58253490-G-T.
Other names: c.1191C>A, p.Ile397= (NM_001206897.2); c.1140C>A, p.Ile380= (NM_170696.3); c.966C>A, p.Ile322= (NM_170697.3).
Identifiers: ClinVar variation 779960 (VCV000779960.8), dbSNP rs35251510, ClinGen allele CA7583806.
Genomic context (GRCh38, chr15:57,961,292, plus strand): 5'-GGCTCTTTCGATAACTTCATCCATCGTCTTAAATCTCAAAATTTCCTGAACAGGGCCAAA[G>T]ATCTGCAAAAAGATAATATGACTCAACATGGTTGCTCTGTCATTCCTTTACCTGCTTTCC-3'
Protein context (NP_003879.2, residues 408-428): TDDMRIAKEE[Ile418=]FGPVQEILRF

ClinVar aggregate classification (germline): Benign/Likely benign. Review status: criteria provided, multiple submitters, no conflicts (2 of 4 stars). 4 submissions from 4 submitters: Benign (2); Likely benign (1). 1 of the submissions does not count toward it. Last evaluated 2024-11-21.

Conditions:
ALDH1A2-related disorder. Also called: ALDH1A2-related condition.

Allele frequency attached by ClinVar (database versions not stated): gnomAD exomes 0.00253 and 0.00261; ExAC 0.00287; ESP Exome Variant Server 0.00532; gnomAD 0.00628 and 0.00633; TOPMed 0.00688; 1000 Genomes Project 30x 0.01062; 1000 Genomes Project 0.01118.
gnomAD v4.1: 4,862 of 1,613,738 alleles (0.3%); highest among the groups gnomAD compares: East Asian, 3.1%; 75 homozygotes.

Submissions (4):

Blueprint Genetics
Classification: Likely benign. Last evaluated: 2024-11-21. Review status: criteria provided, single submitter. Criteria: ACMG Guidelines, 2015. Collection method: clinical testing. Allele origin: germline.

Labcorp Genetics (formerly Invitae), Labcorp
Classification: Benign. Last evaluated: 2019-12-31. Review status: criteria provided, single submitter. Criteria: Invitae Variant Classification Sherloc (09022015). Collection method: clinical testing. Allele origin: germline.

Breakthrough Genomics
Classification: Benign. Review status: criteria provided, single submitter. Criteria: ACMG Guidelines, 2015. Collection method: not provided. Allele origin: germline. Inheritance: Autosomal recessive inheritance. Affected: yes.

PreventionGenetics, part of Exact Sciences
Classification: Benign for ALDH1A2-related condition. Last evaluated: 2019-02-22. Review status: no assertion criteria provided. Collection method: clinical testing. Allele origin: germline. Not counted in ClinVar's aggregate classification.
Comment: This variant is classified as benign based on ACMG/AMP sequence variant interpretation guidelines (Richards et al. 2015 PMID: 25741868, with internal and published modifications).